The following is an entry in ClinVar:

ClinVar aggregate classification (germline): Conflicting classifications of pathogenicity. Review status: criteria provided, conflicting classifications (1 of 4 stars). 2 submissions from 2 submitters: Uncertain significance (1); Likely benign (1). Last evaluated 2023-09-18.

Conditions:
Hereditary cancer-predisposing syndrome. Also called: Neoplastic Syndromes, Hereditary; Hereditary Cancer Syndrome; Tumor predisposition; Hereditary neoplastic syndrome. Identifiers: Orphanet 140162, MedGen C0027672, MeSH D009386, MONDO:0015356.
BAP1-related tumor predisposition syndrome (TPDS1). Also called: BAP1 tumor predisposition syndrome; COMMON Syndrome; TUMOR PREDISPOSITION SYNDROME 1; Tumor susceptibility linked to germline BAP1 mutations. Identifiers: Orphanet 289539, MedGen C3280492, MONDO:0013692, OMIM 614327.

Submissions (2):

Ambry Genetics
Classification: Likely benign for Hereditary cancer-predisposing syndrome. Last evaluated: 2023-09-18. Review status: criteria provided, single submitter. Criteria: Ambry Variant Classification Scheme 2023. Collection method: clinical testing. Allele origin: germline.

Labcorp Genetics (formerly Invitae), Labcorp
Classification: Uncertain significance for BAP1-related tumor predisposition syndrome. Last evaluated: 2021-08-24. Review status: criteria provided, single submitter. Criteria: Invitae Variant Classification Sherloc (09022015). Collection method: clinical testing. Allele origin: germline.
Comment: This sequence change replaces histidine with proline at codon 347 of the BAP1 protein (p.His347Pro). The histidine residue is weakly conserved and there is a moderate physicochemical difference between histidine and proline. This variant is not present in population databases (ExAC no frequency). This variant has not been reported in the literature in individuals affected with BAP1-related conditions. Algorithms developed to predict the effect of missense changes on protein structure and function output the following: SIFT: "Tolerated"; PolyPhen-2: "Benign"; Align-GVGD: "Class C0". The proline amino acid residue is found in multiple mammalian species, which suggests that this missense change does not adversely affect protein function. In summary, the available evidence is currently insufficient to determine the role of this variant in disease. Therefore, it has been classified as a Variant of Uncertain Significance.

NM_004656.4(BAP1):c.1040A>C (p.His347Pro)

Gene: BAP1 (BRCA1 associated deubiquitinase 1; minus strand). Cytogenetic location: 3p21.1.
Variant type: single nucleotide variant.
Coding change: c.1040A>C on transcript NM_004656.4 (MANE Select); coding-DNA position 1040, A replaced by C.
Protein change: p.His347Pro; replaces histidine 347 with proline.
Molecular consequence: missense variant.
Genome position (GRCh38, 1-based): chr3:52,405,186, T>G on the plus strand (A>C on the coding strand, the complement: BAP1 is on the minus strand). VCF-style: chr3-52405186-T-G. GRCh37 (hg19) VCF-style: chr3-52439202-T-G.
Other names: c.1040A>C (NM_004656.2); short protein forms H347P.
Identifiers: ClinVar variation 945047 (VCV000945047.5), dbSNP rs1578223257, ClinGen allele CA353105808.